The following is an entry in ClinVar:

NM_000545.8(HNF1A):c.1053del (p.Ser352fs)

Gene: HNF1A (HNF1 homeobox A; plus strand). Cytogenetic location: 12q24.31.
Variant type: Deletion.
Coding change: c.1053del on transcript NM_000545.8 (MANE Select); coding-DNA position 1053, one base deleted (G; older notation c.1053delG).
Protein change: p.Ser352fs; shifts the reading frame from serine 352.
Molecular consequence: frameshift variant.
Genome position (GRCh38, 1-based): chr12:120,996,359, G deleted. VCF-style (leftmost placement, unchanged base first): chr12-120996358-TG-T. GRCh37 (hg19) VCF-style: chr12-121434161-TG-T.
Other names: c.1053del, p.Ser352fs (NM_001306179.2); c.1053delG, p.Ser352Profs (NM_001406915.1); short protein forms S352fs.
Identifiers: ClinVar variation 2137446 (VCV002137446.4), dbSNP rs2500001702, ClinGen allele CA2580085938.

ClinVar aggregate classification (germline): Pathogenic (1 of 4 stars; one submission).

Submission:

Labcorp Genetics (formerly Invitae), Labcorp
Classification: Pathogenic. Last evaluated: 2022-05-04. Review status: criteria provided, single submitter. Criteria: Invitae Variant Classification Sherloc (09022015). Collection method: clinical testing. Allele origin: germline.
Comment: For these reasons, this variant has been classified as Pathogenic. This variant is also known as p.Pro352fs. This premature translational stop signal has been observed in individual(s) with maturity-onset diabetes of the young (PMID: 16917892). This variant is not present in population databases (gnomAD no frequency). This sequence change creates a premature translational stop signal (p.Ser352Profs*12) in the HNF1A gene. It is expected to result in an absent or disrupted protein product. Loss-of-function variants in HNF1A are known to be pathogenic (PMID: 15928245, 18003757).

Literature cited by the submitters: PubMed 16917892; PubMed 15928245; PubMed 18003757.